The following is an entry in ClinVar:

NC_000011.9:g.(?_32438026)_(32460464_?)del

Genes: WT1-AS (WT1 antisense RNA; plus strand), WT1 (WT1 transcription factor; minus strand). Cytogenetic location: 11p13.
Variant type: Deletion.
Identifiers: ClinVar variation 3244686 (VCV003244686.1).

ClinVar aggregate classification (germline): Pathogenic (1 of 4 stars; one submission).

Conditions:
Wilms tumor 1 (WT1). Also called: Wilms tumor, somatic. Identifiers: Orphanet 654, MedGen CN033288, MONDO:0008679, OMIM 194070.
11p partial monosomy syndrome (WAGR). Also called: CHROMOSOME 11p13 DELETION SYNDROME; WAGR syndrome; WAGR Complex; WAGR Spectrum Disorder. Identifiers: Orphanet 893, MedGen C0206115, MONDO:0008681, OMIM 194072.
Drash syndrome (DDS). Also called: NEPHROPATHY, WILMS TUMOR, AND GENITAL ANOMALIES; WILMS TUMOR AND PSEUDO- OR TRUE HERMAPHRODITISM. Identifiers: Orphanet 220, MedGen C0950121, MONDO:0008682, OMIM 194080.
Frasier syndrome. Identifiers: Orphanet 347, MedGen C0950122, MeSH D052159, MONDO:0007635, OMIM 136680.

Submission:

Labcorp Genetics (formerly Invitae), Labcorp
Classification: Pathogenic for Wilms tumor 1; Drash syndrome; 11p partial monosomy syndrome; Frasier syndrome. Last evaluated: 2023-02-14. Review status: criteria provided, single submitter. Criteria: Invitae Variant Classification Sherloc (09022015). Collection method: clinical testing. Allele origin: unknown.
Comment: This variant is a gross deletion of the genomic region encompassing exon(s) 1-5 of the WT1 gene, which includes the initiator codon. This deletion extends beyond the assayed region for this gene and therefore may encompass additional genes. It is expected to result in an absent or disrupted protein product. Loss-of-function variants in WT1 are known to be pathogenic (PMID: 15150775). This variant has not been reported in the literature in individuals affected with WT1-related conditions. Experimental studies and prediction algorithms are not available or were not evaluated, and the functional significance of this variant is currently unknown. For these reasons, this variant has been classified as Pathogenic.

Literature cited by the submitters: PubMed 15150775.